The following is an entry in ClinVar:

ClinVar aggregate classification (germline): Benign. Review status: criteria provided, multiple submitters, no conflicts (2 of 4 stars). 3 submissions from 3 submitters: Benign (3). Last evaluated 2023-06-22.

Conditions:
Erythrocytosis, familial, 4 (ECYT4). Identifiers: Orphanet 247511, MedGen C2673187, MONDO:0012729, OMIM 611783.

Allele frequency attached by ClinVar (database versions not stated): TOPMed 0.02042; 1000 Genomes Project 0.04852; gnomAD exomes 0.01239; gnomAD 0.02657; 1000 Genomes Project 30x 0.04513.
gnomAD v4.1: 3,215 of 156,800 alleles (2.1%); highest among the groups gnomAD compares: East Asian, 18%; 150 homozygotes.

Submissions (3):

Mayo Clinic Laboratories, Mayo Clinic
Classification: Benign. Last evaluated: 2023-06-22. Review status: criteria provided, single submitter. Criteria: ACMG Guidelines, 2015. Collection method: clinical testing. Allele origin: germline. Observed: 12 variant alleles.
Comment: BA1, BP4, BP7

GeneDx
Classification: Benign. Last evaluated: 2019-06-15. Review status: criteria provided, single submitter. Criteria: GeneDx Variant Classification Process June 2021. Collection method: clinical testing. Allele origin: germline. Affected: yes.
Comment: This variant is associated with the following publications: (PMID: 20495570)

Illumina Laboratory Services, Illumina
Classification: Benign for Erythrocytosis, familial, 4. Last evaluated: 2018-01-13. Review status: criteria provided, single submitter. Criteria: ICSL Variant Classification Criteria 13 December 2019. Collection method: clinical testing. Allele origin: germline.
Comment: This variant was observed in the ICSL laboratory as part of a predisposition screen in an ostensibly healthy population. It had not been previously curated by ICSL or reported in the Human Gene Mutation Database (HGMD: prior to June 1st, 2018), and was therefore a candidate for classification through an automated scoring system. Utilizing variant allele frequency, disease prevalence and penetrance estimates, and inheritance mode, an automated score was calculated to assess if this variant is too frequent to cause the disease. Based on the score and internal cut-off values, a variant classified as benign is not then subjected to further curation. The score for this variant resulted in a classification of benign for this disease.

NM_001430.5(EPAS1):c.-471C>T

Gene: EPAS1 (endothelial PAS domain protein 1; plus strand). Cytogenetic location: 2p21.
Variant type: single nucleotide variant.
Coding change: c.-471C>T on transcript NM_001430.5 (MANE Select); 471 bases upstream of the start codon, C replaced by T.
Molecular consequence: 5 prime UTR variant.
Genome position (GRCh38, 1-based): chr2:46,297,441, C>T. VCF-style: chr2-46297441-C-T. GRCh37 (hg19) VCF-style: chr2-46524580-C-T.
Other names: p.?.
Identifiers: ClinVar variation 336219 (VCV000336219.8), dbSNP rs17039192, ClinGen allele CA10613921.